The following is an entry in ClinVar:

ClinVar aggregate classification (germline): Uncertain significance. Review status: criteria provided, multiple submitters, no conflicts (2 of 4 stars). 3 submissions from 3 submitters: Uncertain significance (3). Last evaluated 2025-11-11.

Conditions:
Familial meningioma. Also called: Meningioma, familial, susceptibility to. Identifiers: Orphanet 263662, MedGen C3551915, MONDO:0011789, OMIM 607174.
Neurofibromatosis, type 2 (SWNV). Also called: BILATERAL ACOUSTIC NEUROFIBROMATOSIS; NF2-Related Schwannomatosis; SCHWANNOMATOSIS, VESTIBULAR. Identifiers: Orphanet 637, MedGen C0027832, MONDO:0007039, OMIM 101000. Disease mechanism: loss of function.
Hereditary cancer-predisposing syndrome. Also called: Tumor predisposition; Hereditary neoplastic syndrome; Neoplastic Syndromes, Hereditary; Hereditary Cancer Syndrome. Identifiers: Orphanet 140162, MedGen C0027672, MeSH D009386, MONDO:0015356.

Submissions (3):

Labcorp Genetics (formerly Invitae), Labcorp
Classification: Uncertain significance for Neurofibromatosis, type 2. Last evaluated: 2025-11-11. Review status: criteria provided, single submitter. Criteria: Invitae Variant Classification Sherloc (09022015). Collection method: clinical testing. Allele origin: germline.
Comment: This sequence change replaces isoleucine, which is neutral and non-polar, with leucine, which is neutral and non-polar, at codon 131 of the NF2 protein (p.Ile131Leu). This variant is not present in population databases (gnomAD no frequency). This variant has not been reported in the literature in individuals affected with NF2-related conditions. ClinVar contains an entry for this variant (Variation ID: 237624). Invitae Evidence Modeling of protein sequence and biophysical properties (such as structural, functional, and spatial information, amino acid conservation, physicochemical variation, residue mobility, and thermodynamic stability) indicates that this missense variant is not expected to disrupt NF2 protein function with a negative predictive value of 80%. In summary, the available evidence is currently insufficient to determine the role of this variant in disease. Therefore, it has been classified as a Variant of Uncertain Significance.

Ambry Genetics
Classification: Uncertain significance for Hereditary cancer-predisposing syndrome. Last evaluated: 2025-02-09. Review status: criteria provided, single submitter. Criteria: Ambry Variant Classification Scheme 2023. Collection method: clinical testing. Allele origin: germline.
Comment: The p.I131L variant (also known as c.391A>C), located in coding exon 4 of the NF2 gene, results from an A to C substitution at nucleotide position 391. The isoleucine at codon 131 is replaced by leucine, an amino acid with highly similar properties. This amino acid position is conserved. In addition, the in silico prediction for this alteration is inconclusive. Based on the available evidence, the clinical significance of this variant remains unclear.

Baylor Genetics
Classification: Uncertain significance for Familial meningioma. Last evaluated: 2023-06-21. Review status: criteria provided, single submitter. Criteria: ACMG Guidelines, 2015. Collection method: clinical testing. Allele origin: unknown.

NM_000268.4(NF2):c.391A>C (p.Ile131Leu)

Gene: NF2 (NF2, moesin-ezrin-radixin like (MERLIN) tumor suppressor; plus strand). Cytogenetic location: 22q12.2.
Variant type: single nucleotide variant.
Coding change: c.391A>C on transcript NM_000268.4 (MANE Select); coding-DNA position 391, A replaced by C.
Protein change: p.Ile131Leu; replaces isoleucine 131 with leucine.
Molecular consequence: missense variant. On other transcripts: non-coding transcript variant (1).
Genome position (GRCh38, 1-based): chr22:29,642,229, A>C. VCF-style: chr22-29642229-A-C. GRCh37 (hg19) VCF-style: chr22-30038218-A-C.
Other names: c.391A>C, p.Ile131Leu (NM_016418.5, NM_181825.3, NM_181832.3 and 1 more transcripts); c.265A>C, p.Ile89Leu (NM_181828.3); c.268A>C, p.Ile90Leu (NM_181829.3); c.142A>C, p.Ile48Leu (NM_181830.3, NM_181831.3); short protein forms I131L, I89L, I48L, I90L.
Identifiers: ClinVar variation 237624 (VCV000237624.13), dbSNP rs878853927, ClinGen allele CA10583920.